The following is an entry in ClinVar:

ClinVar aggregate classification (germline): Likely benign (0 of 4 stars; one submission).

Conditions:
PI4KA-related disorder. Also called: PI4KA-related disorders; PI4KA-related condition. Identifiers: MedGen CN378147, MONDO:1040012.

Allele frequency attached by ClinVar (database versions not stated): ESP Exome Variant Server 0.00008; TOPMed 0.00012; gnomAD 0.00013; ExAC 0.00014; 1000 Genomes Project 30x 0.00016; 1000 Genomes Project 0.00020.
gnomAD v4.1: 204 of 1,613,990 alleles (0.013%); highest among the groups gnomAD compares: Non-Finnish European, 0.0082%; no homozygotes.

Submission:

PreventionGenetics, part of Exact Sciences
Classification: Likely benign for PI4KA-related condition. Last evaluated: 2022-04-21. Review status: no assertion criteria provided. Collection method: clinical testing. Allele origin: germline.
Comment: This variant is classified as likely benign based on ACMG/AMP sequence variant interpretation guidelines (Richards et al. 2015 PMID: 25741868, with internal and published modifications).

NM_058004.4(PI4KA):c.2970A>G (p.Leu990=)

Gene: PI4KA (phosphatidylinositol 4-kinase alpha; minus strand). Cytogenetic location: 22q11.21.
Variant type: single nucleotide variant.
Coding change: c.2970A>G on transcript NM_058004.4 (MANE Select); coding-DNA position 2970, A replaced by G.
Protein change: p.Leu990=; no amino-acid change (leucine 990 retained).
Molecular consequence: synonymous variant.
Genome position (GRCh38, 1-based): chr22:20,752,920, T>C on the plus strand (A>G on the coding strand, the complement: PI4KA is on the minus strand). VCF-style: chr22-20752920-T-C. GRCh37 (hg19) VCF-style: chr22-21107208-T-C.
Other names: c.2970A>G, p.Leu990= (NM_001362862.2); c.2904A>G, p.Leu968= (NM_001362863.2).
Identifiers: ClinVar variation 3048280 (VCV003048280.2), dbSNP rs146858855, ClinGen allele CA10115551.
Genomic context (GRCh38, chr22:20,752,920, plus strand): 5'-TTATATACATACACACAAAACATTAGCAGGAAAATGAGCTTACTTATCCACCAGACCAGA[T>C]AGATACTTGTCTGCCACCCTCCTTATCCTCTTGTGGATGTGGTTGAAGTTCACCAACAGG-3'
Protein context (NP_477352.3, residues 980-1000): KRIRRVADKY[Leu990=]SGLVDKFPHL